The following is an entry in ClinVar:

NM_000318.3(PEX2):c.91C>G (p.Gln31Glu)

Gene: PEX2 (peroxisomal biogenesis factor 2; minus strand). Cytogenetic location: 8q21.13.
Variant type: single nucleotide variant.
Coding change: c.91C>G on transcript NM_000318.3 (MANE Select); coding-DNA position 91, C replaced by G.
Protein change: p.Gln31Glu; replaces glutamine 31 with glutamic acid.
Molecular consequence: missense variant.
Genome position (GRCh38, 1-based): chr8:76,984,088, G>C on the plus strand (C>G on the coding strand, the complement: PEX2 is on the minus strand). VCF-style: chr8-76984088-G-C. GRCh37 (hg19) VCF-style: chr8-77896324-G-C.
Other names: c.91C>G, p.Gln31Glu (NM_001079867.2, NM_001172086.2, NM_001172087.2); short protein forms Q31E.
Identifiers: ClinVar variation 92838 (VCV000092838.55), dbSNP rs149287302, ClinGen allele CA220659.

ClinVar aggregate classification (germline): Conflicting classifications of pathogenicity. Review status: criteria provided, conflicting classifications (1 of 4 stars). 12 submissions from 12 submitters: Uncertain significance (2); Benign (2); Likely benign (4). 4 of the submissions do not count toward it. Last evaluated 2026-02-03.

Conditions:
PEX2-related disorder. Also called: PEX2-related condition.
Zellweger spectrum disorders (ZS). Also called: Zellweger syndrome; Zellweger Spectrum Disorder; Zellweger Spectrum; Zellweger Spectrum Disorder (ZSD). Identifiers: Orphanet 912, MedGen C0043459, MONDO:0019609.
Peroxisome biogenesis disorder 5A (Zellweger) (PBD5A). Identifiers: Orphanet 912, MedGen C3553940, MONDO:0013932, OMIM 614866.
Peroxisome biogenesis disorder 5B (PBD5B). Identifiers: Orphanet 44, MedGen C3542026, MONDO:0013933, OMIM 614867.

Allele frequency attached by ClinVar (database versions not stated): 1000 Genomes Project 30x 0.00016; 1000 Genomes Project 0.00020; ESP Exome Variant Server 0.00069; TOPMed 0.00088; gnomAD 0.00182 and 0.00190.
gnomAD v4.1: 2,542 of 1,612,476 alleles (0.16%); highest among the groups gnomAD compares: Middle Eastern, 0.3%; 17 homozygotes.

Submissions (12):

Labcorp Genetics (formerly Invitae), Labcorp
Classification: Benign for Peroxisome biogenesis disorder 5A (Zellweger). Last evaluated: 2026-02-03. Review status: criteria provided, single submitter. Criteria: Invitae Variant Classification Sherloc (09022015). Collection method: clinical testing. Allele origin: germline.

CeGaT Center for Human Genetics Tuebingen
Classification: Likely benign. Last evaluated: 2026-02-01. Review status: criteria provided, single submitter. Criteria: CeGaT Center For Human Genetics Tuebingen Variant Classification Criteria Version 2. Collection method: clinical testing. Allele origin: germline. Affected: yes. Observed: 3 variant alleles.
Comment: PEX2: BS2

Blueprint Genetics
Classification: Likely benign. Last evaluated: 2024-11-19. Review status: criteria provided, single submitter. Criteria: ACMG Guidelines, 2015. Collection method: clinical testing. Allele origin: germline.

Genome-Nilou Lab
Classification: Likely benign for Peroxisome biogenesis disorder 5A (Zellweger). Last evaluated: 2021-05-18. Review status: criteria provided, single submitter. Criteria: ACMG Guidelines, 2015. Collection method: clinical testing. Allele origin: germline. Affected: no.

GeneDx
Classification: Likely benign. Last evaluated: 2019-04-16. Review status: criteria provided, single submitter. Criteria: GeneDx Variant Classification Process June 2021. Collection method: clinical testing. Allele origin: germline. Affected: yes.

Illumina Laboratory Services, Illumina
Classification: Uncertain significance for Peroxisome biogenesis disorder 5A (Zellweger). Last evaluated: 2018-01-13. Review status: criteria provided, single submitter. Criteria: ICSL Variant Classification Criteria 13 December 2019. Collection method: clinical testing. Allele origin: germline.

Mayo Clinic Laboratories, Mayo Clinic
Classification: Uncertain significance for Peroxisome biogenesis disorder 5A (Zellweger); Peroxisome biogenesis disorder 5B. Last evaluated: 2017-07-24. Review status: criteria provided, single submitter. Criteria: ACMG Guidelines, 2015. Collection method: clinical testing. Allele origin: maternal.

Eurofins Ntd Llc (ga)
Classification: Benign. Last evaluated: 2017-04-13. Review status: criteria provided, single submitter. Criteria: EGL Classification Definitions 2015. Collection method: clinical testing. Allele origin: germline. Observed: 2 variant alleles, 2 heterozygotes.

Natera, Inc.
Classification: Benign for Zellweger syndrome. Last evaluated: 2019-11-11. Review status: no assertion criteria provided. Collection method: clinical testing. Allele origin: germline. Not counted in ClinVar's aggregate classification.

PreventionGenetics, part of Exact Sciences
Classification: Benign for PEX2-related condition. Last evaluated: 2019-07-23. Review status: no assertion criteria provided. Collection method: clinical testing. Allele origin: germline. Not counted in ClinVar's aggregate classification.
Comment: This variant is classified as benign based on ACMG/AMP sequence variant interpretation guidelines (Richards et al. 2015 PMID: 25741868, with internal and published modifications).

Clinical Genetics DNA and cytogenetics Diagnostics Lab, Erasmus MC, Erasmus Medical Center
Classification: Likely benign. Review status: no assertion criteria provided. Collection method: clinical testing. Allele origin: germline. Affected: yes. Study: VKGL Data-share Consensus. Not counted in ClinVar's aggregate classification.

Clinical Genetics, Academic Medical Center
Classification: Likely benign. Review status: no assertion criteria provided. Collection method: clinical testing. Allele origin: germline. Affected: yes. Study: VKGL Data-share Consensus. Not counted in ClinVar's aggregate classification.